The following is an entry in ClinVar:

ClinVar aggregate classification (germline): Uncertain significance (1 of 4 stars; one submission).

Conditions:
ALG8 congenital disorder of glycosylation. Also called: CONGENITAL DISORDER OF GLYCOSYLATION, TYPE Ih; CDG Ih; ALG8-CDG. Identifiers: Orphanet 79325, MedGen C2931002, MONDO:0011969, OMIM 608104.

Submission:

Labcorp Genetics (formerly Invitae), Labcorp
Classification: Uncertain significance for ALG8 congenital disorder of glycosylation. Last evaluated: 2023-03-02. Review status: criteria provided, single submitter. Criteria: Invitae Variant Classification Sherloc (09022015). Collection method: clinical testing. Allele origin: unknown.
Comment: In summary, the available evidence is currently insufficient to determine the role of this variant in disease. Therefore, it has been classified as a Variant of Uncertain Significance. Experimental studies and prediction algorithms are not available or were not evaluated, and the functional significance of this variant is currently unknown. This variant has not been reported in the literature in individuals affected with ALG8-related conditions. This variant results in a copy number gain of the genomic region encompassing exon(s) 3-5 of the ALG8 gene. While the exact position of this variant cannot be determined from the data, sub-genic copy number gains are generally in tandem (PMID: 25640679). This variant is predicted to be in-frame, and likely preserves the integrity of the reading frame.

Literature cited by the submitters: PubMed 25640679.

NC_000011.9:g.(?_77830208)_(77835280_?)dup

Gene: ALG8 (ALG8 alpha-1,3-glucosyltransferase; minus strand). Cytogenetic location: 11q14.1.
Variant type: Duplication.
Identifiers: ClinVar variation 3244665 (VCV003244665.1).